The following is an entry in ClinVar:

NM_001378454.1(ALMS1):c.10545T>A (p.Phe3515Leu)

Gene: ALMS1 (ALMS1 centrosome and basal body associated protein; plus strand). Cytogenetic location: 2p13.1.
Variant type: single nucleotide variant.
Coding change: c.10545T>A on transcript NM_001378454.1 (MANE Select); coding-DNA position 10545, T replaced by A.
Protein change: p.Phe3515Leu; replaces phenylalanine 3515 with leucine.
Molecular consequence: missense variant.
Genome position (GRCh38, 1-based): chr2:73,572,422, T>A. VCF-style: chr2-73572422-T-A. GRCh37 (hg19) VCF-style: chr2-73799549-T-A.
Other names: c.10548T>A, p.Phe3516Leu (NM_015120.4); short protein forms F3516L, F3515L.
Identifiers: ClinVar variation 1520773 (VCV001520773.4), dbSNP rs750147146, ClinGen allele CA1715019.
Genomic context (GRCh38, chr2:73,572,422, plus strand): 5'-TATTTGCCATGAATCTTTGGGAAAGAGTGTTTTCATGAGACATTCTTGGAAAGATTTCTT[T>A]CAGCATCATCCAGACAAACATAGAGAACACATGTGTCTTCCTCTTCCTTATCAAAACATG-3'
Protein context (NP_001365383.1, residues 3505-3525): VFMRHSWKDF[Phe3515Leu]QHHPDKHREH

ClinVar aggregate classification (germline): Uncertain significance. Review status: criteria provided, multiple submitters, no conflicts (2 of 4 stars). 2 submissions from 2 submitters: Uncertain significance (2). Last evaluated 2022-07-29.

Conditions:
Alstrom syndrome (ALMS). Identifiers: Orphanet 64, MedGen C0268425, MONDO:0008763, OMIM 203800.

Allele frequency attached by ClinVar (database versions not stated): gnomAD exomes below 0.00001; ExAC 0.00001; gnomAD 0.00001; TOPMed 0.00002.
gnomAD v4.1: 5 of 1,612,752 alleles (0.00031%); highest among the groups gnomAD compares: African/African-American, 0.0067%; no homozygotes.

Submissions (2):

Labcorp Genetics (formerly Invitae), Labcorp
Classification: Uncertain significance for Alstrom syndrome. Last evaluated: 2022-07-29. Review status: criteria provided, single submitter. Criteria: Invitae Variant Classification Sherloc (09022015). Collection method: clinical testing. Allele origin: germline.
Comment: This sequence change replaces phenylalanine, which is neutral and non-polar, with leucine, which is neutral and non-polar, at codon 3516 of the ALMS1 protein (p.Phe3516Leu). This variant is present in population databases (rs750147146, gnomAD 0.007%). This variant has not been reported in the literature in individuals affected with ALMS1-related conditions. ClinVar contains an entry for this variant (Variation ID: 1520773). Experimental studies and prediction algorithms are not available or were not evaluated, and the functional significance of this variant is currently unknown. In summary, the available evidence is currently insufficient to determine the role of this variant in disease. Therefore, it has been classified as a Variant of Uncertain Significance.

Blueprint Genetics
Classification: Uncertain significance. Last evaluated: 2019-06-12. Review status: criteria provided, single submitter. Criteria: ACMG Guidelines, 2015. Collection method: clinical testing. Allele origin: germline.